The following is an entry in ClinVar:

NM_000836.4(GRIN2D):c.436G>T (p.Gly146Cys)

Genes: GRIN2D (glutamate ionotropic receptor NMDA type subunit 2D; plus strand), LOC130064856 (ATAC-STARR-seq lymphoblastoid silent region 10880; plus strand). Cytogenetic location: 19q13.33.
Variant type: single nucleotide variant.
Coding change: c.436G>T on transcript NM_000836.4 (MANE Select); coding-DNA position 436, G replaced by T.
Protein change: p.Gly146Cys; replaces glycine 146 with cysteine.
Molecular consequence: missense variant.
Genome position (GRCh38, 1-based): chr19:48,398,828, G>T. VCF-style: chr19-48398828-G-T. GRCh37 (hg19) VCF-style: chr19-48902085-G-T.
Other names: short protein forms G146C.
Identifiers: ClinVar variation 1494701 (VCV001494701.8), dbSNP rs2147434790, ClinGen allele CA406689221.
Genomic context (GRCh38, chr19:48,398,828, plus strand): 5'-GTCGCGCCCATCCTCGACTTCCTGTCGGCGCAGACCTCGCTGCCCATCGTGGCCGTGCAC[G>T]GCGGCGCCGCGCTCGTGCTCACGCCCAAGGTGCGCGCGACCGGGGCGGGGCGGGGCCACA-3'
Protein context (NP_000827.2, residues 136-156): QTSLPIVAVH[Gly146Cys]GAALVLTPKE

ClinVar aggregate classification (germline): Uncertain significance (1 of 4 stars; one submission).

gnomAD v4.1: 2 of 1,408,180 alleles (0.00014%); highest among the groups gnomAD compares: South Asian, 0.0015%; no homozygotes.

Submission:

Labcorp Genetics (formerly Invitae), Labcorp
Classification: Uncertain significance. Last evaluated: 2022-08-23. Review status: criteria provided, single submitter. Criteria: Invitae Variant Classification Sherloc (09022015). Collection method: clinical testing. Allele origin: germline.
Comment: This sequence change replaces glycine, which is neutral and non-polar, with cysteine, which is neutral and slightly polar, at codon 146 of the GRIN2D protein (p.Gly146Cys). This variant is not present in population databases (gnomAD no frequency). This variant has not been reported in the literature in individuals affected with GRIN2D-related conditions. ClinVar contains an entry for this variant (Variation ID: 1494701). Algorithms developed to predict the effect of missense changes on protein structure and function are either unavailable or do not agree on the potential impact of this missense change (SIFT: "Deleterious"; PolyPhen-2: "Probably Damaging"; Align-GVGD: "Class C0"). In summary, the available evidence is currently insufficient to determine the role of this variant in disease. Therefore, it has been classified as a Variant of Uncertain Significance.